The following is an entry in ClinVar:

ClinVar aggregate classification (germline): Benign. Review status: criteria provided, multiple submitters, no conflicts (2 of 4 stars). 2 submissions from 2 submitters: Benign (2). Last evaluated 2026-01-27.

Conditions:
Primary dilated cardiomyopathy (DCM). Also called: Dilated Cardiomyopathy. Identifiers: Orphanet 217604, MedGen C0007193, MeSH D002311, MONDO:0005021, HP:0001644. Inheritance: Various modes of inheritance.

Allele frequency attached by ClinVar (database versions not stated): gnomAD exomes 0.00070 and 0.00195; ExAC 0.00249; gnomAD 0.00754 and 0.00807; 1000 Genomes Project 0.00779; ESP Exome Variant Server 0.00811; 1000 Genomes Project 30x 0.00828; TOPMed 0.00837.

Submissions (2):

Labcorp Genetics (formerly Invitae), Labcorp
Classification: Benign for Primary dilated cardiomyopathy. Last evaluated: 2026-01-27. Review status: criteria provided, single submitter. Criteria: Invitae Variant Classification Sherloc (09022015). Collection method: clinical testing. Allele origin: germline.

GeneDx
Classification: Benign. Last evaluated: 2017-01-17. Review status: criteria provided, single submitter. Criteria: GeneDx Variant Classification (06012015). Collection method: clinical testing. Allele origin: germline. Affected: yes.
Comment: This variant is considered likely benign or benign based on one or more of the following criteria: it is a conservative change, it occurs at a poorly conserved position in the protein, it is predicted to be benign by multiple in silico algorithms, and/or has population frequency not consistent with disease.

NM_006440.5(TXNRD2):c.591+18del

Gene: TXNRD2 (thioredoxin reductase 2; minus strand). Cytogenetic location: 22q11.21.
Variant type: Deletion.
Coding change: c.591+18del on transcript NM_006440.5 (MANE Select); 18 bases into the intron after coding-DNA position 591, one base deleted (A; older notation c.591+18delA).
Molecular consequence: intron variant.
Genome position (GRCh38, 1-based): chr22:19,915,196, T deleted on the plus strand (A on the coding strand, the reverse complement: TXNRD2 is on the minus strand). VCF-style (leftmost placement, unchanged base first): chr22-19915195-AT-A. GRCh37 (hg19) VCF-style: chr22-19902718-AT-A.
Other names: c.588+18del (NM_001352300.2); c.303+18del (NM_001352302.2); c.501+18del (NM_001352301.2); c.591+18del (NM_001282512.3); c.495+18del (NM_001352303.2).
Identifiers: ClinVar variation 506446 (VCV000506446.9), dbSNP rs200848663, ClinGen allele CA10104110.